The following is an entry in ClinVar:

ClinVar aggregate classification (germline): Uncertain significance (1 of 4 stars; one submission).

Allele frequency attached by ClinVar (database versions not stated): gnomAD exomes 0.00002; ExAC 0.00003; gnomAD 0.00003; 1000 Genomes Project 30x 0.00016; 1000 Genomes Project 0.00020.
gnomAD v4.1: 30 of 1,614,102 alleles (0.0019%); highest among the groups gnomAD compares: Admixed American, 0.0083%; no homozygotes.

Submission:

GeneDx
Classification: Uncertain significance. Last evaluated: 2026-08-26. Review status: criteria provided, single submitter. Criteria: GeneDx Variant Classification Process June 2021. Collection method: clinical testing. Allele origin: germline.
Comment: In silico analysis suggests that this missense variant does not alter protein structure/function; Has not been previously published as pathogenic or benign to our knowledge

NM_004667.6(HERC2):c.11603C>T (p.Thr3868Met)

Gene: HERC2 (HECT and RLD domain containing E3 ubiquitin protein ligase 2; minus strand). Cytogenetic location: 15q13.1.
Variant type: single nucleotide variant.
Coding change: c.11603C>T on transcript NM_004667.6 (MANE Select); coding-DNA position 11603, C replaced by T.
Protein change: p.Thr3868Met; replaces threonine 3868 with methionine.
Molecular consequence: missense variant.
Genome position (GRCh38, 1-based): chr15:28,142,335, G>A on the plus strand (C>T on the coding strand, the complement: HERC2 is on the minus strand). VCF-style: chr15-28142335-G-A. GRCh37 (hg19) VCF-style: chr15-28387481-G-A.
Other names: short protein forms T3868M.
Identifiers: ClinVar variation 2574927 (VCV002574927.2), dbSNP rs533106317, ClinGen allele CA7440523.
Genomic context (GRCh38, chr15:28,142,335, plus strand): 5'-TCAAGGGCCACAGCAACACGGGAGGCCATGCAGTACCTCCGGAACCAGGCCCACTTGTGC[G>A]TCTCGGCACAGCAAGGCAGAGTGTCCAGCTCCAGGTCACAAGCAAGAGCTACCAGTACCT-3'
Protein context (NP_004658.3, residues 3858-3878): ELDTLPCCAE[Thr3868Met]HKWAWFRRYC